The following is an entry in ClinVar:

ClinVar aggregate classification (germline): Likely benign (0 of 4 stars; one submission).

Conditions:
SPTA1-related disorder. Also called: SPTA1-related disorders; SPTA1-related condition.

Allele frequency attached by ClinVar (database versions not stated): gnomAD exomes below 0.00001; ExAC 0.00001; gnomAD 0.00001; TOPMed 0.00002.
gnomAD v4.1: 3 of 1,613,956 alleles (0.00019%); highest among the groups gnomAD compares: East Asian, 0.0045%; no homozygotes.

Submission:

PreventionGenetics, part of Exact Sciences
Classification: Likely benign for SPTA1-related condition. Last evaluated: 2023-09-18. Review status: no assertion criteria provided. Collection method: clinical testing. Allele origin: germline.
Comment: This variant is classified as likely benign based on ACMG/AMP sequence variant interpretation guidelines (Richards et al. 2015 PMID: 25741868, with internal and published modifications).

NM_003126.4(SPTA1):c.3189-4C>G

Gene: SPTA1 (spectrin alpha, erythrocytic 1; minus strand). Cytogenetic location: 1q23.1.
Variant type: single nucleotide variant.
Coding change: c.3189-4C>G on transcript NM_003126.4 (MANE Select); 4 bases into the intron before coding-DNA position 3189, C replaced by G.
Molecular consequence: intron variant.
Genome position (GRCh38, 1-based): chr1:158,652,657, G>C on the plus strand (C>G on the coding strand, the complement: SPTA1 is on the minus strand). VCF-style: chr1-158652657-G-C. GRCh37 (hg19) VCF-style: chr1-158622447-G-C.
Identifiers: ClinVar variation 3056614 (VCV003056614.2), dbSNP rs747322490, ClinGen allele CA1183131.